The following is an entry in ClinVar:

NM_021614.4(KCNN2):c.724G>C (p.Glu242Gln)

Gene: KCNN2 (potassium calcium-activated channel subfamily N member 2; plus strand). Cytogenetic location: 5q22.3.
Variant type: single nucleotide variant.
Coding change: c.724G>C on transcript NM_021614.4 (MANE Select); coding-DNA position 724, G replaced by C.
Protein change: p.Glu242Gln; replaces glutamic acid 242 with glutamine.
Molecular consequence: missense variant.
Genome position (GRCh38, 1-based): chr5:114,362,863, G>C. VCF-style: chr5-114362863-G-C. GRCh37 (hg19) VCF-style: chr5-113698560-G-C.
Other names: c.922G>C, p.Glu308Gln (NM_001372233.1); short protein forms E242Q, E308Q.
Identifiers: ClinVar variation 521195 (VCV000521195.5), dbSNP rs1554083355, ClinGen allele CA360703197.

ClinVar aggregate classification (germline): Uncertain significance (1 of 4 stars; one submission).

Conditions:
Inborn genetic diseases. Identifiers: MedGen C0950123, MeSH D030342.

Allele frequency attached by ClinVar (database versions not stated): gnomAD exomes below 0.00001.
gnomAD v4.1: 1 of 1,599,920 alleles (0.000063%); highest among the groups gnomAD compares: Non-Finnish European, 0.000085%; no homozygotes.

Submission:

Ambry Genetics
Classification: Uncertain significance for Inborn genetic diseases. Last evaluated: 2021-06-30. Review status: criteria provided, single submitter. Criteria: Ambry Variant Classification Scheme 2023. Collection method: clinical testing. Allele origin: germline.
Comment: The c.88G>C (p.E30Q) alteration is located in exon 1 (coding exon 1) of the KCNN2 gene. This alteration results from a G to C substitution at nucleotide position 88, causing the glutamic acid (E) at amino acid position 30 to be replaced by a glutamine (Q). Based on data from the Genome Aggregation Database (gnomAD), the KCNN2 c.88G>C alteration was not observed, with coverage at this position. This alteration was reported de novo in a patient with epileptic encephalopathy, tremor, dystonia, dyskinesia, and seizures (Mochel, 2020). This amino acid position is highly conserved in available vertebrate species. The p.E30 amino acid is located at the N-terminal of the protein, which is predicted to contain the mitochondrial targeting sequence by in silico prediction tools (Dolga, 2013). However, this domain has not been functionally characterized. The in silico prediction for the p.E30Q alteration is inconclusive. Based on insufficient or conflicting evidence, the clinical significance of this alteration remains unclear.

Literature cited by the submitters: PubMed 33242881.